The following is an entry in ClinVar:

NM_052947.4(ALPK2):c.4156A>G (p.Thr1386Ala)

Genes: ALPK2 (alpha kinase 2; minus strand), LOC126862764 (BRD4-independent group 4 enhancer GRCh37_chr18:56202574-56203773; plus strand). Cytogenetic location: 18q21.31.
Variant type: single nucleotide variant.
Coding change: c.4156A>G on transcript NM_052947.4 (MANE Select); coding-DNA position 4156, A replaced by G.
Protein change: p.Thr1386Ala; replaces threonine 1386 with alanine.
Molecular consequence: missense variant.
Genome position (GRCh38, 1-based): chr18:58,536,031, T>C on the plus strand (A>G on the coding strand, the complement: ALPK2 is on the minus strand). VCF-style: chr18-58536031-T-C. GRCh37 (hg19) VCF-style: chr18-56203263-T-C.
Other names: short protein forms T1386A.
Identifiers: ClinVar variation 3531384 (VCV003531384.1).

ClinVar aggregate classification (germline): Uncertain significance (1 of 4 stars; one submission).

gnomAD v4.1: 1 of 1,614,188 alleles (0.000062%); highest among the groups gnomAD compares: Non-Finnish European, 0.000085%; no homozygotes.

Submission:

Ambry Genetics
Classification: Uncertain significance. Last evaluated: 2024-09-02. Review status: criteria provided, single submitter. Criteria: Ambry Variant Classification Scheme 2023. Collection method: clinical testing. Allele origin: germline.
Comment: The p.T1386A variant (also known as c.4156A>G), located in coding exon 4 of the ALPK2 gene, results from an A to G substitution at nucleotide position 4156. The threonine at codon 1386 is replaced by alanine, an amino acid with similar properties. This amino acid position is conserved. In addition, this alteration is predicted to be tolerated by in silico analysis. Based on the available evidence, the clinical significance of this variant remains unclear.